The following is an entry in ClinVar:

NM_006031.6(PCNT):c.237del (p.Asp80fs)

Gene: PCNT (pericentrin; plus strand). Cytogenetic location: 21q22.3.
Variant type: Deletion.
Coding change: c.237del on transcript NM_006031.6 (MANE Select); coding-DNA position 237, one base deleted (T; older notation c.237delT).
Protein change: p.Asp80fs; shifts the reading frame from aspartic acid 80.
Molecular consequence: frameshift variant. On other transcripts: 5 prime UTR variant (1).
Genome position (GRCh38, 1-based): chr21:46,326,559, T deleted. VCF-style (leftmost placement, unchanged base first): chr21-46326558-CT-C. GRCh37 (hg19) VCF-style: chr21-47746472-CT-C.
Other names: c.-118del (NM_001315529.2); short protein forms D80fs.
Identifiers: ClinVar variation 2839538 (VCV002839538.3), dbSNP rs1569153459, ClinGen allele CA638196247.
Genomic context (GRCh38, chr21:46,326,558, plus strand): 5'-AGGACAGCGCACTCTGTGGAGGAGGGGACATTTGCAAAAGCACATCATGTGACGACACCC[CT>C]GATGGGGCAGGAGGGGCCTTTGCAGCTCAGGTAGATTTGCTCAATGTTGTATTTGAACAT-3'

ClinVar aggregate classification (germline): Pathogenic (1 of 4 stars; one submission).

Allele frequency attached by ClinVar (database versions not stated): gnomAD exomes below 0.00001.

Submission:

Labcorp Genetics (formerly Invitae), Labcorp
Classification: Pathogenic. Last evaluated: 2023-08-30. Review status: criteria provided, single submitter. Criteria: Invitae Variant Classification Sherloc (09022015). Collection method: clinical testing. Allele origin: germline.
Comment: For these reasons, this variant has been classified as Pathogenic. This variant has not been reported in the literature in individuals affected with PCNT-related conditions. This variant is present in population databases (no rsID available, gnomAD 0.003%). This sequence change creates a premature translational stop signal (p.Asp80Metfs*173) in the PCNT gene. It is expected to result in an absent or disrupted protein product. Loss-of-function variants in PCNT are known to be pathogenic (PMID: 18174396, 22821869).

Literature cited by the submitters: PubMed 18174396; PubMed 22821869.